The following is an entry in ClinVar:

NM_024408.4(NOTCH2):c.2835G>T (p.Lys945Asn)

Gene: NOTCH2 (notch receptor 2; minus strand). Cytogenetic location: 1p12.
Variant type: single nucleotide variant.
Coding change: c.2835G>T on transcript NM_024408.4 (MANE Select); coding-DNA position 2835, G replaced by T.
Protein change: p.Lys945Asn; replaces lysine 945 with asparagine.
Molecular consequence: missense variant.
Genome position (GRCh38, 1-based): chr1:119,941,672, C>A on the plus strand (G>T on the coding strand, the complement: NOTCH2 is on the minus strand). VCF-style: chr1-119941672-C-A. GRCh37 (hg19) VCF-style: chr1-120484295-C-A.
Other names: c.2835G>T, p.Lys945Asn (NM_001200001.2); short protein forms K945N.
Identifiers: ClinVar variation 2178133 (VCV002178133.4), dbSNP rs781814476, ClinGen allele CA1040191.
Genomic context (GRCh38, chr1:119,941,672, plus strand): 5'-AGAGCAGGTCCCTCCATTCTTACAGGGTTCACTCAGACACTCATTCATGTCTGTCTGGCA[C>A]TTATCCCCAGTGAAACCCGGAAGGCAGAGGCAGGAGAAAGTATTCACTCCATCCATACAG-3'
Protein context (NP_077719.2, residues 935-955): CLCLPGFTGD[Lys945Asn]CQTDMNECLS

ClinVar aggregate classification (germline): Uncertain significance (1 of 4 stars; one submission).

Conditions:
Hajdu-Cheney syndrome (HJCYS). Also called: SERPENTINE FIBULA-POLYCYSTIC KIDNEY SYNDROME; ACROOSTEOLYSIS WITH OSTEOPOROSIS AND CHANGES IN SKULL AND MANDIBLE; Acroosteolysis dominant type. Identifiers: Orphanet 955, MedGen C0917715, MONDO:0007057, OMIM 102500.

Allele frequency attached by ClinVar (database versions not stated): ExAC 0.00001; gnomAD 0.00002.

Submission:

Labcorp Genetics (formerly Invitae), Labcorp
Classification: Uncertain significance for Hajdu-Cheney syndrome. Last evaluated: 2021-12-25. Review status: criteria provided, single submitter. Criteria: Invitae Variant Classification Sherloc (09022015). Collection method: clinical testing. Allele origin: germline.
Comment: This sequence change replaces lysine, which is basic and polar, with asparagine, which is neutral and polar, at codon 945 of the NOTCH2 protein (p.Lys945Asn). This variant is present in population databases (rs781814476, gnomAD 0.002%). This variant has not been reported in the literature in individuals affected with NOTCH2-related conditions. Advanced modeling of protein sequence and biophysical properties (such as structural, functional, and spatial information, amino acid conservation, physicochemical variation, residue mobility, and thermodynamic stability) performed at Invitae indicates that this missense variant is not expected to disrupt NOTCH2 protein function. In summary, the available evidence is currently insufficient to determine the role of this variant in disease. Therefore, it has been classified as a Variant of Uncertain Significance.